The following is an entry in ClinVar:

ClinVar aggregate classification (germline): Uncertain significance. Review status: criteria provided, multiple submitters, no conflicts (2 of 4 stars). 3 submissions from 3 submitters: Uncertain significance (3). Last evaluated 2025-12-02.

Conditions:
Tuberous sclerosis syndrome (TSC). Also called: Tuberous Sclerosis Complex; Tuberous sclerosis. Identifiers: Orphanet 805, MedGen C0041341, MONDO:0001734.
Tuberous sclerosis 2 (TSC2). Identifiers: Orphanet 805, MedGen C1860707, MONDO:0013199, OMIM 613254.

Submissions (3):

Labcorp Genetics (formerly Invitae), Labcorp
Classification: Uncertain significance for Tuberous sclerosis 2. Last evaluated: 2025-12-02. Review status: criteria provided, single submitter. Criteria: Invitae Variant Classification Sherloc (09022015). Collection method: clinical testing. Allele origin: germline.
Comment: This sequence change replaces histidine, which is basic and polar, with aspartic acid, which is acidic and polar, at codon 763 of the TSC2 protein (p.His763Asp). This variant is not present in population databases (gnomAD no frequency). This variant has not been reported in the literature in individuals affected with TSC2-related conditions. ClinVar contains an entry for this variant (Variation ID: 3070887). Invitae Evidence Modeling of protein sequence and biophysical properties (such as structural, functional, and spatial information, amino acid conservation, physicochemical variation, residue mobility, and thermodynamic stability) indicates that this missense variant is not expected to disrupt TSC2 protein function with a negative predictive value of 95%. In summary, the available evidence is currently insufficient to determine the role of this variant in disease. Therefore, it has been classified as a Variant of Uncertain Significance.

St. Jude Molecular Pathology, St. Jude Children's Research Hospital
Classification: Uncertain significance for Tuberous sclerosis 2. Last evaluated: 2024-06-28. Review status: criteria provided, single submitter. Criteria: St. Jude Assertion Criteria 2020. Collection method: clinical testing. Allele origin: germline.
Comment: The TSC2 c.2287C>G (p.His763Asp) missense change is absent in gnomAD v2.1.1. The in silico tool REVEL predicts a deleterious effect on protein function, but to our knowledge this prediction has not been confirmed by functional studies. To our knowledge, this variant has not been reported in individuals with tuberous sclerosis complex. In summary, the evidence currently available is insufficient to determine the clinical significance of this variant. It has therefore been classified as of uncertain significance.

All of Us Research Program, National Institutes of Health
Classification: Uncertain significance for Tuberous sclerosis syndrome. Last evaluated: 2024-05-14. Review status: criteria provided, single submitter. Criteria: ACMG Guidelines, 2015. Collection method: clinical testing. Allele origin: germline. Inheritance: Autosomal dominant inheritance. Observed: 2 variant alleles, 2 heterozygotes.
Comment: This missense variant replaces histidine with aspartic acid at codon 763 of the TSC2 protein. Computational prediction suggests that this variant may have deleterious impact on protein structure and function (internally defined REVEL score threshold >= 0.7, PMID: 27666373). To our knowledge, functional studies have not been reported for this variant. This variant has not been reported in individuals affected with TSC2-related disorders in the literature. This variant has not been identified in the general population by the Genome Aggregation Database (gnomAD). The available evidence is insufficient to determine the role of this variant in disease conclusively. Therefore, this variant is classified as a Variant of Uncertain Significance.

This study involves interpretation of variants in research participants for the purpose of population health screening. Participant phenotype was not available at the time of variant classification. Additional details can be found in publication PMID: 35346344, PMCID: PMC8962531

NM_000548.5(TSC2):c.2287C>G (p.His763Asp)

Gene: TSC2 (TSC complex subunit 2; plus strand). Cytogenetic location: 16p13.3.
Variant type: single nucleotide variant.
Coding change: c.2287C>G on transcript NM_000548.5 (MANE Select); coding-DNA position 2287, C replaced by G.
Protein change: p.His763Asp; replaces histidine 763 with aspartic acid.
Molecular consequence: missense variant. On other transcripts: non-coding transcript variant (5).
Genome position (GRCh38, 1-based): chr16:2,072,915, C>G. VCF-style: chr16-2072915-C-G. GRCh37 (hg19) VCF-style: chr16-2122916-C-G.
Other names: c.2287C>G, p.His763Asp (NM_001077183.3, NM_001114382.3, NM_001363528.2 and 6 more transcripts); c.2176C>G, p.His726Asp (NM_001318827.2, NM_001406670.1, NM_001406678.1); c.2140C>G, p.His714Asp (NM_001318829.2, NM_001406675.1, NM_001406676.1 and 1 more transcripts); c.1687C>G, p.His563Asp (NM_001318831.2, NM_001406680.1, NM_001406682.1 and 6 more transcripts); c.2320C>G, p.His774Asp (NM_001318832.2); c.1825C>G, p.His609Asp (NM_001406681.1); c.2377C>G, p.His793Asp (NM_001406667.1, NM_001406668.1); c.2275C>G, p.His759Asp (NM_001406671.1, NM_001406673.1); and 3 more; short protein forms H229D, H315D, H563D, H609D, H714D, H726D, H744D, H759D.
Identifiers: ClinVar variation 3070887 (VCV003070887.5), dbSNP rs758234726, ClinGen allele CA394276585.